The following is an entry in ClinVar:

ClinVar aggregate classification (germline): Uncertain significance (1 of 4 stars; one submission).

Conditions:
RASopathy. Also called: rasopathies; Noonan spectrum disorder. Identifiers: Orphanet 536391, MedGen C5555857, MONDO:0021060.

Allele frequency attached by ClinVar (database versions not stated): gnomAD exomes below 0.00001.

Submission:

Labcorp Genetics (formerly Invitae), Labcorp
Classification: Uncertain significance for RASopathy. Last evaluated: 2024-03-16. Review status: criteria provided, single submitter. Criteria: Invitae Variant Classification Sherloc (09022015). Collection method: clinical testing. Allele origin: germline.
Comment: This sequence change replaces valine, which is neutral and non-polar, with alanine, which is neutral and non-polar, at codon 173 of the MAP2K2 protein (p.Val173Ala). This variant is not present in population databases (gnomAD no frequency). This variant has not been reported in the literature in individuals affected with MAP2K2-related conditions. ClinVar contains an entry for this variant (Variation ID: 1972681). Advanced modeling of protein sequence and biophysical properties (such as structural, functional, and spatial information, amino acid conservation, physicochemical variation, residue mobility, and thermodynamic stability) has been performed at Invitae for this missense variant, however the output from this modeling did not meet the statistical confidence thresholds required to predict the impact of this variant on MAP2K2 protein function. In summary, the available evidence is currently insufficient to determine the role of this variant in disease. Therefore, it has been classified as a Variant of Uncertain Significance.

NM_030662.4(MAP2K2):c.518T>C (p.Val173Ala)

Gene: MAP2K2 (mitogen-activated protein kinase kinase 2; minus strand). Cytogenetic location: 19p13.3.
Variant type: single nucleotide variant.
Coding change: c.518T>C on transcript NM_030662.4 (MANE Select); coding-DNA position 518, T replaced by C.
Protein change: p.Val173Ala; replaces valine 173 with alanine.
Molecular consequence: missense variant.
Genome position (GRCh38, 1-based): chr19:4,102,386, A>G on the plus strand (T>C on the coding strand, the complement: MAP2K2 is on the minus strand). VCF-style: chr19-4102386-A-G. GRCh37 (hg19) VCF-style: chr19-4102384-A-G.
Other names: short protein forms V173A.
Identifiers: ClinVar variation 1972681 (VCV001972681.5), dbSNP rs2145057474, ClinGen allele CA403390060.